The following is an entry in ClinVar:

NM_018341.3(ERMARD):c.623T>C (p.Ile208Thr)

Gene: ERMARD (ER membrane associated RNA degradation; plus strand). Cytogenetic location: 6q27.
Variant type: single nucleotide variant.
Coding change: c.623T>C on transcript NM_018341.3 (MANE Select); coding-DNA position 623, T replaced by C.
Protein change: p.Ile208Thr; replaces isoleucine 208 with threonine.
Molecular consequence: missense variant.
Genome position (GRCh38, 1-based): chr6:169,759,855, T>C. VCF-style: chr6-169759855-T-C. GRCh37 (hg19) VCF-style: chr6-170159951-T-C.
Other names: c.623T>C, p.Ile208Thr (NM_001278531.2, NM_001278533.2); c.245T>C, p.Ile82Thr (NM_001278532.2, NM_001410957.1); short protein forms I208T, I82T.
Identifiers: ClinVar variation 3010550 (VCV003010550.3), dbSNP rs746522776, ClinGen allele CA366498449.

ClinVar aggregate classification (germline): Uncertain significance (1 of 4 stars; one submission).

Submission:

Labcorp Genetics (formerly Invitae), Labcorp
Classification: Uncertain significance. Last evaluated: 2025-10-21. Review status: criteria provided, single submitter. Criteria: Invitae Variant Classification Sherloc (09022015). Collection method: clinical testing. Allele origin: germline.
Comment: This sequence change replaces isoleucine, which is neutral and non-polar, with threonine, which is neutral and polar, at codon 208 of the ERMARD protein (p.Ile208Thr). This variant is not present in population databases (gnomAD no frequency). This variant has not been reported in the literature in individuals affected with ERMARD-related conditions. ClinVar contains an entry for this variant (Variation ID: 3010550). Invitae Evidence Modeling of protein sequence and biophysical properties (such as structural, functional, and spatial information, amino acid conservation, physicochemical variation, residue mobility, and thermodynamic stability) indicates that this missense variant is not expected to disrupt ERMARD protein function with a negative predictive value of 80%. In summary, the available evidence is currently insufficient to determine the role of this variant in disease. Therefore, it has been classified as a Variant of Uncertain Significance.